The following is an entry in ClinVar:

NM_007294.4(BRCA1):c.2554C>G (p.Leu852Val)

Gene: BRCA1 (BRCA1 DNA repair associated; minus strand). Cytogenetic location: 17q21.31.
Variant type: single nucleotide variant.
Coding change: c.2554C>G on transcript NM_007294.4 (MANE Select); coding-DNA position 2554, C replaced by G.
Protein change: p.Leu852Val; replaces leucine 852 with valine.
Molecular consequence: missense variant. On other transcripts: intron variant (137).
Genome position (GRCh38, 1-based): chr17:43,092,977, G>C on the plus strand (C>G on the coding strand, the complement: BRCA1 is on the minus strand). VCF-style: chr17-43092977-G-C. GRCh37 (hg19) VCF-style: chr17-41244994-G-C.
Other names: c.2341C>G, p.Leu781Val (NM_001407571.1, NM_001407853.1, NM_001407894.1 and 9 more transcripts); c.2554C>G, p.Leu852Val (NM_001407581.1, NM_001407582.1, NM_001407583.1 and 30 more transcripts); c.2551C>G, p.Leu851Val (NM_001407587.1, NM_001407590.1, NM_001407591.1 and 22 more transcripts); c.2476C>G, p.Leu826Val (NM_001407658.1, NM_001407663.1, NM_001407653.1 and 4 more transcripts); c.2473C>G, p.Leu825Val (NM_001407659.1, NM_001407660.1, NM_001407661.1 and 1 more transcripts); c.2431C>G, p.Leu811Val (NM_001407664.1, NM_001407665.1, NM_001407666.1 and 19 more transcripts); c.2428C>G, p.Leu810Val (NM_001407685.1, NM_001407940.1, NM_001407941.1 and 11 more transcripts); c.2413C>G, p.Leu805Val (NM_001407697.1, NM_001407698.1, NM_001407724.1 and 29 more transcripts); and 41 more; short protein forms L852V, L805V, L556V, L782V, L785V, L804V, L724V, L725V.
Identifiers: ClinVar variation 216656 (VCV000216656.15), dbSNP rs863224754, ClinGen allele CA337653.

ClinVar aggregate classification (germline): Conflicting classifications of pathogenicity. Review status: criteria provided, conflicting classifications (1 of 4 stars). 4 submissions from 4 submitters: Uncertain significance (3); Likely benign (1). Last evaluated 2023-03-23.

Conditions:
Breast-ovarian cancer, familial, susceptibility to, 1 (BROVCA1). Also called: BRCA1 Hereditary Breast and Ovarian Cancer; OVARIAN CANCER, SUSCEPTIBILITY TO. Identifiers: Orphanet 145, MedGen C2676676, MONDO:0011450, OMIM 604370. Disease mechanism: loss of function.
Hereditary breast ovarian cancer syndrome. Also called: Breast and ovarian cancer; Hereditary breast and ovarian cancer; Hereditary breast and ovarian cancer syndrome; Hereditary breast and/or ovarian cancer syndrome; BRCA1- and BRCA2-Associated Hereditary Breast and Ovarian Cancer; Hereditary breast and ovarian cancer syndrome (HBOC). Identifiers: Orphanet 145, MedGen C0677776, MeSH D061325, MONDO:0003582. Disease mechanism: loss of function.
Hereditary cancer-predisposing syndrome. Also called: Tumor predisposition; Hereditary Cancer Syndrome; Neoplastic Syndromes, Hereditary; Hereditary neoplastic syndrome. Identifiers: Orphanet 140162, MedGen C0027672, MeSH D009386, MONDO:0015356.

Submissions (4):

University of Washington Department of Laboratory Medicine, University of Washington
Classification: Likely benign for Hereditary cancer-predisposing syndrome. Last evaluated: 2023-03-23. Review status: criteria provided, single submitter. Criteria: Dines et al. (Genet Med. 2020). Collection method: curation. Allele origin: germline.
Comment: Missense variant in a coldspot region where missense variants are very unlikely to be pathogenic (PMID:31911673).

BRCA1 coldspot (exon 11 using historical exon numbering). Reclassification based on statistical prior probability

Ambry Genetics
Classification: Uncertain significance for Hereditary cancer-predisposing syndrome. Last evaluated: 2022-03-18. Review status: criteria provided, single submitter. Criteria: Ambry Variant Classification Scheme 2023. Collection method: clinical testing. Allele origin: germline.
Comment: The p.L852V variant (also known as c.2554C>G), located in coding exon 9 of the BRCA1 gene, results from a C to G substitution at nucleotide position 2554. The leucine at codon 852 is replaced by valine, an amino acid with highly similar properties. This amino acid position is well conserved in available vertebrate species. In addition, the in silico prediction for this alteration is inconclusive. Since supporting evidence is limited at this time, the clinical significance of this alteration remains unclear.

Fulgent Genetics
Classification: Uncertain significance for Breast-ovarian cancer, familial, susceptibility to, 1. Last evaluated: 2015-08-07. Review status: criteria provided, single submitter. Criteria: ACMG Guidelines, 2015. Collection method: clinical testing. Allele origin: unknown. Inheritance: Autosomal dominant inheritance.

Labcorp Genetics (formerly Invitae), Labcorp
Classification: Uncertain significance for Hereditary breast ovarian cancer syndrome. Last evaluated: 2015-06-13. Review status: criteria provided, single submitter. Criteria: Invitae Variant Classification Sherloc (09022015). Collection method: clinical testing. Allele origin: germline.
Comment: Algorithms developed to predict the effect of missense changes on protein structure and function do not agree on the potential impact of this missense change (SIFT: "Deleterious"; PolyPhen-2: "Probably Damaging"; Align-GVGD: "Class C0"). In summary, this is a novel missense change with uncertain impact on protein function. It has been classified as a Variant of Uncertain Significance. This sequence change replaces leucine with valine at codon 852 of the BRCA1 protein (p.Leu852Val). The leucine residue is highly conserved and there is a small physicochemical difference between leucine and valine. This variant has not been published in the literature and is not present in population databases.